The following is an entry in ClinVar:

NM_001458.5(FLNC):c.2134T>G (p.Cys712Gly)

Genes: FLNC (filamin C; plus strand), LOC129999273 (ATAC-STARR-seq lymphoblastoid silent region 18616; plus strand). Cytogenetic location: 7q32.1.
Variant type: single nucleotide variant.
Coding change: c.2134T>G on transcript NM_001458.5 (MANE Select); coding-DNA position 2134, T replaced by G.
Protein change: p.Cys712Gly; replaces cysteine 712 with glycine.
Molecular consequence: missense variant.
Genome position (GRCh38, 1-based): chr7:128,842,243, T>G. VCF-style: chr7-128842243-T-G. GRCh37 (hg19) VCF-style: chr7-128482297-T-G.
Other names: c.2134T>G, p.Cys712Gly (NM_001127487.2); short protein forms C712G.
Identifiers: ClinVar variation 1786460 (VCV001786460.2), dbSNP rs2536630312, ClinGen allele CA369228591.

ClinVar aggregate classification (germline): Uncertain significance (1 of 4 stars; one submission).

Conditions:
Cardiovascular phenotype. Identifiers: MedGen CN230736.

Submission:

Ambry Genetics
Classification: Uncertain significance for Cardiovascular phenotype. Last evaluated: 2020-09-16. Review status: criteria provided, single submitter. Criteria: Ambry Variant Classification Scheme 2023. Collection method: clinical testing. Allele origin: germline.
Comment: The p.C712G variant (also known as c.2134T>G), located in coding exon 14 of the FLNC gene, results from a T to G substitution at nucleotide position 2134. The cysteine at codon 712 is replaced by glycine, an amino acid with highly dissimilar properties. This amino acid position is not well conserved in available vertebrate species. In addition, this alteration is predicted to be tolerated by in silico analysis. Since supporting evidence is limited at this time, the clinical significance of this alteration remains unclear.